The following is an entry in ClinVar:

ClinVar aggregate classification (germline): Uncertain significance. Review status: criteria provided, multiple submitters, no conflicts (2 of 4 stars). 2 submissions from 2 submitters: Uncertain significance (2). Last evaluated 2022-08-11.

Allele frequency attached by ClinVar (database versions not stated): gnomAD exomes 0.00001; ExAC 0.00002; TOPMed 0.00004; gnomAD 0.00005; ESP Exome Variant Server 0.00008; 1000 Genomes Project 30x 0.00016; 1000 Genomes Project 0.00020.
gnomAD v4.1: 24 of 1,614,136 alleles (0.0015%); highest among the groups gnomAD compares: African/African-American, 0.016%; no homozygotes.

Submissions (2):

Blueprint Genetics
Classification: Uncertain significance. Last evaluated: 2022-08-11. Review status: criteria provided, single submitter. Criteria: ACMG Guidelines, 2015. Collection method: clinical testing. Allele origin: germline.

Labcorp Genetics (formerly Invitae), Labcorp
Classification: Uncertain significance. Last evaluated: 2022-03-12. Review status: criteria provided, single submitter. Criteria: Invitae Variant Classification Sherloc (09022015). Collection method: clinical testing. Allele origin: germline.
Comment: This sequence change replaces threonine, which is neutral and polar, with methionine, which is neutral and non-polar, at codon 2034 of the CPLANE1 protein (p.Thr2034Met). This variant is present in population databases (rs145854343, gnomAD 0.02%). This variant has not been reported in the literature in individuals affected with CPLANE1-related conditions. Advanced modeling of protein sequence and biophysical properties (such as structural, functional, and spatial information, amino acid conservation, physicochemical variation, residue mobility, and thermodynamic stability) performed at Invitae indicates that this missense variant is not expected to disrupt CPLANE1 protein function. In summary, the available evidence is currently insufficient to determine the role of this variant in disease. Therefore, it has been classified as a Variant of Uncertain Significance.

NM_001384732.1(CPLANE1):c.6101C>T (p.Thr2034Met)

Gene: CPLANE1 (ciliogenesis and planar polarity effector complex subunit 1; minus strand). Cytogenetic location: 5p13.2.
Variant type: single nucleotide variant.
Coding change: c.6101C>T on transcript NM_001384732.1 (MANE Select); coding-DNA position 6101, C replaced by T.
Protein change: p.Thr2034Met; replaces threonine 2034 with methionine.
Molecular consequence: missense variant.
Genome position (GRCh38, 1-based): chr5:37,173,825, G>A on the plus strand (C>T on the coding strand, the complement: CPLANE1 is on the minus strand). VCF-style: chr5-37173825-G-A. GRCh37 (hg19) VCF-style: chr5-37173927-G-A.
Other names: c.6101C>T, p.Thr2034Met (NM_023073.4); short protein forms T2034M.
Identifiers: ClinVar variation 2413916 (VCV002413916.4), dbSNP rs145854343, ClinGen allele CA3238344.